The following is an entry in ClinVar:

NM_004360.5(CDH1):c.566del (p.Phe189fs)

Gene: CDH1 (cadherin 1; plus strand). Cytogenetic location: 16q22.1.
Variant type: Deletion.
Coding change: c.566del on transcript NM_004360.5 (MANE Select); coding-DNA position 566, one base deleted (T; older notation c.566delT).
Protein change: p.Phe189fs; shifts the reading frame from phenylalanine 189.
Molecular consequence: frameshift variant. On other transcripts: 5 prime UTR variant (2).
Genome position (GRCh38, 1-based): chr16:68,808,727, T deleted; the last of 4 consecutive T bases (chr16:68,808,724-68,808,727); deleting any one gives the same sequence. VCF-style (leftmost placement, unchanged base first): chr16-68808723-GT-G. GRCh37 (hg19) VCF-style: chr16-68842626-GT-G.
Other names: c.566del, p.Phe189fs (NM_001317184.2); c.-1050del (NM_001317185.2); c.-1254del (NM_001317186.2); short protein forms F189fs.
Identifiers: ClinVar variation 1692800 (VCV001692800.1), dbSNP rs2152130104, ClinGen allele CA2573152587.

ClinVar aggregate classification (germline): Likely pathogenic (1 of 4 stars; one submission).

Conditions:
Hereditary cancer-predisposing syndrome. Also called: Hereditary neoplastic syndrome; Tumor predisposition; Neoplastic Syndromes, Hereditary; Hereditary Cancer Syndrome. Identifiers: Orphanet 140162, MedGen C0027672, MeSH D009386, MONDO:0015356.

Submission:

Sema4
Classification: Likely pathogenic for Hereditary cancer-predisposing syndrome. Last evaluated: 2021-09-25. Review status: criteria provided, single submitter. Criteria: Sema4 Curation Guidelines. Collection method: curation. Allele origin: germline.
Comment: To the best of our knowledge, the CDH1 c.566delT (p.F189SfsX26) variant has not been reported in individuals with CDH1-related disease. This deletion of one base pair causes a frameshift at amino acid 189 and creates a premature stop codon 26 amino acids downstream. At this location, this is predicted to cause nonsense-mediated decay and result in an absent protein (loss of function), which is known to be pathogenic in CDH1-related disease (PMID: 14630673). This variant is not reported in the population database Genome Aggregation Database (PMID: 32461654), nor has it been reported in ClinVar. Based on the current evidence available, this variant is interpreted as likely pathogenic.

Literature cited by the submitters: PubMed 14630673.